The following is an entry in ClinVar:

NM_000059.4(BRCA2):c.9384_9385insG (p.Pro3129fs)

Gene: BRCA2 (BRCA2 DNA repair associated; plus strand). Cytogenetic location: 13q13.1.
Variant type: Insertion.
Coding change: c.9384_9385insG on transcript NM_000059.4 (MANE Select); coding-DNA positions 9384 to 9385, G inserted.
Protein change: p.Pro3129fs; shifts the reading frame from proline 3129.
Molecular consequence: frameshift variant.
Genome position: GRCh38 VCF-style: chr13-32394816-A-AG. GRCh37 (hg19) VCF-style: chr13-32968953-A-AG.
Other names: 9612insG; short protein forms P3129fs.
Identifiers: ClinVar variation 126210 (VCV000126210.2), dbSNP rs80359758, ClinGen allele CA026129.
Genomic context (GRCh38, chr13:32,394,816, plus strand): 5'-CCTTAATGAGGACATTATTAAGCCTCATATGTTAATTGCTGCAAGCAACCTCCAGTGGCG[A>AG]CCAGAATCCAAATCAGGCCTTCTTACTTTATTTGCTGGAGATTTTTCTGTGTTTTCTGCT-3'

ClinVar aggregate classification (germline): Pathogenic. Review status: reviewed by expert panel (3 of 4 stars). 2 submissions from 2 submitters: Pathogenic (1). 1 of the submissions does not count toward it. Last evaluated 2016-09-08.

Conditions:
Breast-ovarian cancer, familial, susceptibility to, 2 (BROVCA2). Also called: BRCA2 Hereditary Breast and Ovarian Cancer. Identifiers: Orphanet 145, MedGen C2675520, MONDO:0012933, OMIM 612555. Disease mechanism: loss of function.

Submissions (2):

Evidence-based Network for the Interpretation of Germline Mutant Alleles (ENIGMA)
Classification: Pathogenic for Breast-ovarian cancer, familial, susceptibility to, 2. Last evaluated: 2016-09-08. Review status: reviewed by expert panel. Criteria: ENIGMA BRCA1/2 Classification Criteria (2015). Collection method: curation. Allele origin: germline.
Comment: Variant allele predicted to encode a truncated non-functional protein.

Breast Cancer Information Core (BIC) (BRCA2)
Classification: Pathogenic for Breast-ovarian cancer, familial 2. Last evaluated: 2003-12-23. Review status: no assertion criteria provided. Collection method: clinical testing. Allele origin: germline. Affected: yes. Observed: 1 variant allele. Not counted in ClinVar's aggregate classification.